The following is an entry in ClinVar:

ClinVar aggregate classification (germline): Uncertain significance (1 of 4 stars; one submission).

Conditions:
Nemaline myopathy 2 (NEM2). Also called: Nemaline myopathy 2, autosomal recessive. Identifiers: MedGen C1850569, MONDO:0009725, OMIM 256030.

Allele frequency attached by ClinVar (database versions not stated): gnomAD 0.00001; gnomAD exomes 0.00001.
gnomAD v4.1: 6 of 1,613,854 alleles (0.00037%); highest among the groups gnomAD compares: East Asian, 0.013%; no homozygotes.

Submission:

Labcorp Genetics (formerly Invitae), Labcorp
Classification: Uncertain significance for Nemaline myopathy 2. Last evaluated: 2022-04-21. Review status: criteria provided, single submitter. Criteria: Invitae Variant Classification Sherloc (09022015). Collection method: clinical testing. Allele origin: germline.
Comment: This sequence change replaces lysine, which is basic and polar, with glutamic acid, which is acidic and polar, at codon 7483 of the NEB protein (p.Lys7483Glu). This variant is not present in population databases (gnomAD no frequency). This variant has not been reported in the literature in individuals affected with NEB-related conditions. Algorithms developed to predict the effect of missense changes on protein structure and function are either unavailable or do not agree on the potential impact of this missense change (SIFT: "Deleterious"; PolyPhen-2: "Not Available"; Align-GVGD: "Class C0"). In summary, the available evidence is currently insufficient to determine the role of this variant in disease. Therefore, it has been classified as a Variant of Uncertain Significance.

NM_001164508.2(NEB):c.22342A>G (p.Lys7448Glu)

Genes: NEB (nebulin; minus strand), RIF1 (replication timing regulatory factor 1; plus strand). Cytogenetic location: 2q23.3.
Variant type: single nucleotide variant.
Coding change: c.22342A>G on transcript NM_001164508.2 (MANE Select); coding-DNA position 22342, A replaced by G.
Protein change: p.Lys7448Glu; replaces lysine 7448 with glutamic acid.
Molecular consequence: missense variant.
Genome position (GRCh38, 1-based): chr2:151,524,547, T>C on the plus strand (A>G on the coding strand, the complement: NEB is on the minus strand). VCF-style: chr2-151524547-T-C. GRCh37 (hg19) VCF-style: chr2-152381061-T-C.
Other names: c.22342A>G, p.Lys7448Glu (NM_001164507.2); c.22447A>G, p.Lys7483Glu (NM_001271208.2); c.17239A>G, p.Lys5747Glu (NM_004543.5); short protein forms K5747E, K7448E, K7483E.
Identifiers: ClinVar variation 1897064 (VCV001897064.2), dbSNP rs2153439304, ClinGen allele CA348764993.
Genomic context (GRCh38, chr2:151,524,547, plus strand): 5'-ACTGGGGACATTTTCATGACACCCTTACCTCACTGGCCTGTTTGGCTGCCTGTGTGGCCT[T>C]CTTGATGTCTGGTCGATCAGCCACTGTGGTGTAATGCAGGTTCTCTTTGGCATCTTTTCT-3'
Protein context (NP_001157980.2, residues 7438-7458): TTVADRPDIK[Lys7448Glu]ATQAAKQASE